The following is an entry in ClinVar:

NM_001009944.3(PKD1):c.10029C>T (p.Leu3343=)

Gene: PKD1 (polycystin 1, transient receptor potential channel interacting; minus strand). Cytogenetic location: 16p13.3.
Variant type: single nucleotide variant.
Coding change: c.10029C>T on transcript NM_001009944.3 (MANE Select); coding-DNA position 10029, C replaced by T.
Protein change: p.Leu3343=; no amino-acid change (leucine 3343 retained).
Molecular consequence: synonymous variant.
Genome position (GRCh38, 1-based): chr16:2,099,665, G>A on the plus strand (C>T on the coding strand, the complement: PKD1 is on the minus strand). VCF-style: chr16-2099665-G-A. GRCh37 (hg19) VCF-style: chr16-2149666-G-A.
Other names: c.10029C>T, p.Leu3343= (NM_000296.4).
Identifiers: ClinVar variation 3361189 (VCV003361189.1).

ClinVar aggregate classification (germline): Uncertain significance (1 of 4 stars; one submission).

gnomAD v4.1: 1 of 1,593,966 alleles (0.000063%); highest among the groups gnomAD compares: Non-Finnish European, 0.000085%; no homozygotes.

Submission:

GeneDx
Classification: Uncertain significance. Last evaluated: 2023-07-19. Review status: criteria provided, single submitter. Criteria: GeneDx Variant Classification Process June 2021. Collection method: clinical testing. Allele origin: germline. Affected: yes.
Comment: Not observed at significant frequency in large population cohorts (gnomAD); In silico analysis supports that this variant does not alter splicing; Has not been previously published as pathogenic or benign to our knowledge